The following is an entry in ClinVar:

ClinVar aggregate classification (germline): Benign. Review status: criteria provided, multiple submitters, no conflicts (2 of 4 stars). 2 submissions from 2 submitters: Benign (2). Last evaluated 2018-06-14.

Allele frequency attached by ClinVar (database versions not stated): 1000 Genomes Project 0.01757; 1000 Genomes Project 30x 0.02077; gnomAD 0.03641 and 0.03769; TOPMed 0.03807.
gnomAD v4.1: 5,633 of 152,184 alleles (3.7%); highest among the groups gnomAD compares: Middle Eastern, 14%; 132 homozygotes.

Submissions (2):

GeneDx
Classification: Benign. Last evaluated: 2018-06-14. Review status: criteria provided, single submitter. Criteria: GeneDx Variant Classification (06012015). Collection method: clinical testing. Allele origin: germline. Affected: yes.
Comment: This variant is considered likely benign or benign based on one or more of the following criteria: it is a conservative change, it occurs at a poorly conserved position in the protein, it is predicted to be benign by multiple in silico algorithms, and/or has population frequency not consistent with disease.

Breakthrough Genomics
Classification: Benign. Review status: criteria provided, single submitter. Criteria: ACMG Guidelines, 2015. Collection method: not provided. Allele origin: germline. Inheritance: Autosomal recessive inheritance. Affected: yes.

NM_024407.5(NDUFS7):c.455+163C>T

Gene: NDUFS7 (NADH:ubiquinone oxidoreductase core subunit S7; plus strand). Cytogenetic location: 19p13.3.
Variant type: single nucleotide variant.
Coding change: c.455+163C>T on transcript NM_024407.5 (MANE Select); 163 bases into the intron after coding-DNA position 455, C replaced by T.
Molecular consequence: intron variant.
Genome position (GRCh38, 1-based): chr19:1,391,328, C>T. VCF-style: chr19-1391328-C-T. GRCh37 (hg19) VCF-style: chr19-1391327-C-T.
Other names: c.455+163C>T (NM_001363602.2).
Identifiers: ClinVar variation 684336 (VCV000684336.2), dbSNP rs72983545, ClinGen allele CA14694689.
Genomic context (GRCh38, chr19:1,391,328, plus strand): 5'-ATCCCACGTGGTCCCGGCGCTGCCCTTCAGCCGTCTCGGTGCCTCCACCCTAGGCAGATG[C>T]GCTGGTGGGCCTCTCCCCAGAACGATTCCTCCCATCCACCCCCACGCAGCAGACCCCACA-3'